The following is an entry in ClinVar:

NM_001111125.3(IQSEC2):c.1710A>C (p.Glu570Asp)

Gene: IQSEC2 (IQ motif and Sec7 domain ArfGEF 2; minus strand). Cytogenetic location: Xp11.22.
Variant type: single nucleotide variant.
Coding change: c.1710A>C on transcript NM_001111125.3 (MANE Select); coding-DNA position 1710, A replaced by C.
Protein change: p.Glu570Asp; replaces glutamic acid 570 with aspartic acid.
Molecular consequence: missense variant.
Genome position (GRCh38, 1-based): chrX:53,250,866, T>G on the plus strand (A>C on the coding strand, the complement: IQSEC2 is on the minus strand). VCF-style: chrX-53250866-T-G. GRCh37 (hg19) VCF-style: chrX-53280048-T-G.
Other names: c.1710A>C, p.Glu570Asp (NM_001410736.1); c.1095A>C, p.Glu365Asp (NM_015075.2); short protein forms E365D, E570D.
Identifiers: ClinVar variation 3906807 (VCV003906807.1).

ClinVar aggregate classification (germline): Uncertain significance (1 of 4 stars; one submission).

Submission:

GeneDx
Classification: Uncertain significance. Last evaluated: 2024-12-19. Review status: criteria provided, single submitter. Criteria: GeneDx Variant Classification Process June 2021. Collection method: clinical testing. Allele origin: germline. Affected: yes.
Comment: Not observed at significant frequency in large population cohorts (gnomAD); In silico analysis indicates that this missense variant does not alter protein structure/function; Has not been previously published as pathogenic or benign to our knowledge